The following is an entry in ClinVar:

NM_000419.5(ITGA2B):c.628G>C (p.Gly210Arg)

Gene: ITGA2B (integrin subunit alpha 2b; minus strand). Cytogenetic location: 17q21.31.
Variant type: single nucleotide variant.
Coding change: c.628G>C on transcript NM_000419.5 (MANE Select); coding-DNA position 628, G replaced by C.
Protein change: p.Gly210Arg; replaces glycine 210 with arginine.
Molecular consequence: missense variant.
Genome position (GRCh38, 1-based): chr17:44,385,206, C>G on the plus strand (G>C on the coding strand, the complement: ITGA2B is on the minus strand). VCF-style: chr17-44385206-C-G. GRCh37 (hg19) VCF-style: chr17-42462574-C-G.
Other names: NM_000419.5(ITGA2B):c.628G>C; p.Gly210Arg; c.628G>C (LRG_479t1); short protein forms G210R.
Identifiers: ClinVar variation 323566 (VCV000323566.5), dbSNP rs886053009, ClinGen allele CA10649411.

ClinVar aggregate classification (germline): Uncertain significance. Review status: reviewed by expert panel (3 of 4 stars). 2 submissions from 2 submitters: Uncertain significance (1). 1 of the submissions does not count toward it. Last evaluated 2023-09-07.

Conditions:
Glanzmann thrombasthenia. Also called: PLATELET GLYCOPROTEIN IIb-IIIa DEFICIENCY; Thrombasthenia; Glanzmann's thrombasthenia; BLEEDING DISORDER, PLATELET-TYPE, 2; THROMBASTHENIA OF GLANZMANN AND NAEGELI. Identifiers: Orphanet 849, MedGen C0040015, MONDO:0100326.

Allele frequency attached by ClinVar (database versions not stated): gnomAD exomes below 0.00001.
gnomAD v4.1: 4 of 1,614,006 alleles (0.00025%); highest among the groups gnomAD compares: Non-Finnish European, 0.00034%; no homozygotes.

Submissions (2):

ClinGen Platelet Disorders Variant Curation Expert Panel, ClinGen
Classification: Uncertain significance for Glanzmann thrombasthenia. Last evaluated: 2023-09-07. Review status: reviewed by expert panel. Criteria: ClinGen Platelet ACMG Specifications v2-1. Collection method: curation. Allele origin: germline. Inheritance: Autosomal recessive inheritance.
Comment: After a thorough literature search the missense variant NM_000419.5(ITGA2B):c.628G>C (p.Gly210Arg) has not been found in any individuals with Glanzmann thrombasthenia. The variant is absent from gnomAD (PM2_supporting). The variant was originally identified by Illumina as part of a predisposition screen in an ostensibly healthy population. The computational predictor REVEL gives a score of 0.665, which is below the ClinGen PD VCEP PP3 threshold of >0.7 and does not predict a damaging effect on ITGA2B function (PP3 not met). In summary, this variant meets the criteria to be classified as uncertain significance - insufficient evidence for autosomal recessive Glanzmann Thrombasthenia based on the ACMG/AMP criteria applied, as specified by the ClinGen PD VCEP: PM2_supporting (VCEP specifications version 2).

Illumina Laboratory Services, Illumina
Classification: Uncertain significance for Glanzmann thrombasthenia 1. Last evaluated: 2018-01-13. Review status: criteria provided, single submitter. Criteria: ICSL Variant Classification Criteria 13 December 2019. Collection method: clinical testing. Allele origin: germline. Not counted in ClinVar's aggregate classification.